The following is an entry in ClinVar:

ClinVar aggregate classification (germline): Likely benign (1 of 4 stars; one submission).

Allele frequency attached by ClinVar (database versions not stated): gnomAD 0.00001 and 0.00003; gnomAD exomes 0.00001.
gnomAD v4.1: 6 of 582,042 alleles (0.001%); highest among the groups gnomAD compares: Middle Eastern, 0.046%; no homozygotes.

Submission:

GeneDx
Classification: Likely benign. Last evaluated: 2018-01-22. Review status: criteria provided, single submitter. Criteria: GeneDx Variant Classification (06012015). Collection method: clinical testing. Allele origin: germline. Affected: yes.
Comment: This variant is considered likely benign or benign based on one or more of the following criteria: it is a conservative change, it occurs at a poorly conserved position in the protein, it is predicted to be benign by multiple in silico algorithms, and/or has population frequency not consistent with disease.

NM_001042432.2(CLN3):c.-90T>C

Gene: CLN3 (CLN3 lysosomal/endosomal transmembrane protein, battenin; minus strand). Cytogenetic location: 16p12.1.
Variant type: single nucleotide variant.
Coding change: c.-90T>C on transcript NM_001042432.2 (MANE Select); 90 bases upstream of the start codon, T replaced by C.
Molecular consequence: 5 prime UTR variant.
Genome position (GRCh38, 1-based): chr16:28,492,033, A>G on the plus strand (T>C on the coding strand, the complement: CLN3 is on the minus strand). VCF-style: chr16-28492033-A-G. GRCh37 (hg19) VCF-style: chr16-28503354-A-G.
Other names: c.-274T>C (NM_000086.2); c.-90T>C (NM_001286104.2); c.-415T>C (NM_001286105.2); c.-357T>C (NM_001286109.2, NM_001286110.2).
Identifiers: ClinVar variation 516351 (VCV000516351.1), dbSNP rs1362294732, ClinGen allele CA621717773.
Genomic context (GRCh38, chr16:28,492,033, plus strand): 5'-CGTACTCTCCCCCGCCCCGTCTACAGCAGGGACCCTGAGGCCTGTACCTTTAAGAGCAGC[A>G]GAATGTTCTGCACTATGCAGAGGCCGTTTGTCGGATCACGTGACAGCACCCGCGTGTTCC-3'